The following is an entry in ClinVar:

ClinVar aggregate classification (germline): Pathogenic (1 of 4 stars; one submission).

Allele frequency attached by ClinVar (database versions not stated): gnomAD exomes below 0.00001; gnomAD 0.00001.

Submission:

Labcorp Genetics (formerly Invitae), Labcorp
Classification: Pathogenic. Last evaluated: 2023-11-17. Review status: criteria provided, single submitter. Criteria: Invitae Variant Classification Sherloc (09022015). Collection method: clinical testing. Allele origin: germline.
Comment: This sequence change creates a premature translational stop signal (p.Trp520*) in the TCIRG1 gene. It is expected to result in an absent or disrupted protein product. Loss-of-function variants in TCIRG1 are known to be pathogenic (PMID: 10888887, 10942435, 11532986, 19448635). This variant is present in population databases (no rsID available, gnomAD 0.1%). This variant has not been reported in the literature in individuals affected with TCIRG1-related conditions. ClinVar contains an entry for this variant (Variation ID: 1988317). For these reasons, this variant has been classified as Pathogenic.

Literature cited by the submitters: PubMed 10888887; PubMed 10942435; PubMed 11532986; PubMed 19448635.

NM_006019.4(TCIRG1):c.1560G>A (p.Trp520Ter)

Gene: TCIRG1 (T cell immune regulator 1, ATPase H+ transporting V0 subunit a3; plus strand). Cytogenetic location: 11q13.2.
Variant type: single nucleotide variant.
Coding change: c.1560G>A on transcript NM_006019.4 (MANE Select); coding-DNA position 1560, G replaced by A.
Protein change: p.Trp520Ter; replaces tryptophan 520 with a stop codon.
Molecular consequence: nonsense.
Genome position (GRCh38, 1-based): chr11:68,048,884, G>A. VCF-style: chr11-68048884-G-A. GRCh37 (hg19) VCF-style: chr11-67816351-G-A.
Other names: c.666G>A, p.Trp222Ter (NM_001351059.2); c.912G>A, p.Trp304Ter (NM_006053.4); short protein forms W304*, W520*, W222*.
Identifiers: ClinVar variation 1988317 (VCV001988317.4), dbSNP rs1366709820, ClinGen allele CA381584856.